The following is an entry in ClinVar:

ClinVar aggregate classification (germline): Uncertain significance (1 of 4 stars; one submission).

Conditions:
Early Myoclonic Encephalopathy. Identifiers: MedGen C0270855.

Submission:

Labcorp Genetics (formerly Invitae), Labcorp
Classification: Uncertain significance for Early Myoclonic Encephalopathy. Last evaluated: 2021-08-03. Review status: criteria provided, single submitter. Criteria: Invitae Variant Classification Sherloc (09022015). Collection method: clinical testing. Allele origin: germline.
Comment: This variant has not been reported in the literature in individuals affected with JMJD1C-related conditions. This sequence change replaces alanine with valine at codon 1491 of the JMJD1C protein (p.Ala1491Val). The alanine residue is highly conserved and there is a small physicochemical difference between alanine and valine. This variant is not present in population databases (ExAC no frequency). Algorithms developed to predict the effect of missense changes on protein structure and function are either unavailable or do not agree on the potential impact of this missense change (SIFT: "Deleterious"; PolyPhen-2: "Probably Damaging"; Align-GVGD: "Class C0"). In summary, the available evidence is currently insufficient to determine the role of this variant in disease. Therefore, it has been classified as a Variant of Uncertain Significance.

NM_032776.3(JMJD1C):c.4472C>T (p.Ala1491Val)

Gene: JMJD1C (jumonji domain containing 1C; minus strand). Cytogenetic location: 10q21.3.
Variant type: single nucleotide variant.
Coding change: c.4472C>T on transcript NM_032776.3 (MANE Select); coding-DNA position 4472, C replaced by T.
Protein change: p.Ala1491Val; replaces alanine 1491 with valine.
Molecular consequence: missense variant. On other transcripts: non-coding transcript variant (1).
Genome position (GRCh38, 1-based): chr10:63,207,197, G>A on the plus strand (C>T on the coding strand, the complement: JMJD1C is on the minus strand). VCF-style: chr10-63207197-G-A. GRCh37 (hg19) VCF-style: chr10-64966957-G-A.
Other names: c.3926C>T, p.Ala1309Val (NM_001282948.2, NM_001318154.2); c.3608C>T, p.Ala1203Val (NM_001318153.2); c.4358C>T, p.Ala1453Val (NM_001322252.2); c.3815C>T, p.Ala1272Val (NM_001322254.2, NM_001322258.2); short protein forms A1272V, A1309V, A1203V, A1453V, A1491V.
Identifiers: ClinVar variation 1465866 (VCV001465866.6), dbSNP rs2133146847, ClinGen allele CA377037332.